The following is an entry in ClinVar:

NM_000257.4(MYH7):c.4974del (p.Asp1658fs)

Genes: MHRT (myosin heavy chain associated RNA transcript; plus strand), MYH7 (myosin heavy chain 7; minus strand), LOC126861897 (BRD4-independent group 4 enhancer GRCh37_chr14:23884455-23885654; plus strand). Cytogenetic location: 14q11.2.
Variant type: Deletion.
Coding change: c.4974del on transcript NM_000257.4 (MANE Select); coding-DNA position 4974, one base deleted (C; older notation c.4974delC).
Protein change: p.Asp1658fs; shifts the reading frame from aspartic acid 1658.
Molecular consequence: frameshift variant. On other transcripts: non-coding transcript variant (1).
Genome position (GRCh38, 1-based): chr14:23,415,812, G deleted on the plus strand (C on the coding strand, the reverse complement: MYH7 is on the minus strand). VCF-style (leftmost placement, unchanged base first): chr14-23415811-CG-C. GRCh37 (hg19) VCF-style: chr14-23885020-CG-C.
Other names: c.4974del, p.Asp1658fs (NM_001407004.1); short protein forms D1658fs.
Identifiers: ClinVar variation 3723267 (VCV003723267.2).

ClinVar aggregate classification (germline): Uncertain significance (1 of 4 stars; one submission).

Conditions:
Hypertrophic cardiomyopathy. Also called: HYPERTROPHIC MYOCARDIOPATHY. Identifiers: Orphanet 217569, MedGen C0007194, MeSH D002312, MONDO:0005045, HP:0001639.

Submission:

Labcorp Genetics (formerly Invitae), Labcorp
Classification: Uncertain significance for Hypertrophic cardiomyopathy. Last evaluated: 2024-10-19. Review status: criteria provided, single submitter. Criteria: Invitae Variant Classification Sherloc (09022015). Collection method: clinical testing. Allele origin: germline.
Comment: This sequence change creates a premature translational stop signal (p.Asp1658Glufs*10) in the MYH7 gene. It is expected to result in an absent or disrupted protein product. However, the current clinical and genetic evidence is not sufficient to establish whether loss-of-function variants in MYH7 cause disease. This variant is not present in population databases (gnomAD no frequency). This variant has not been reported in the literature in individuals affected with MYH7-related conditions. In summary, the available evidence is currently insufficient to determine the role of this variant in disease. Therefore, it has been classified as a Variant of Uncertain Significance.